The following is an entry in ClinVar:

NM_003480.4(MFAP5):c.58+9T>C

Gene: MFAP5 (microfibril associated protein 5; minus strand). Cytogenetic location: 12p13.31.
Variant type: single nucleotide variant.
Coding change: c.58+9T>C on transcript NM_003480.4 (MANE Select); 9 bases into the intron after coding-DNA position 58, T replaced by C.
Molecular consequence: intron variant.
Genome position (GRCh38, 1-based): chr12:8,662,038, A>G on the plus strand (T>C on the coding strand, the complement: MFAP5 is on the minus strand). VCF-style: chr12-8662038-A-G. GRCh37 (hg19) VCF-style: chr12-8814634-A-G.
Other names: c.58+9T>C (NM_001297710.2, NM_001297711.2, NM_001297712.2 and 1 more transcripts).
Identifiers: ClinVar variation 510645 (VCV000510645.1), dbSNP rs1555140766, ClinGen allele CA658797840.
Genomic context (GRCh38, chr12:8,662,038, plus strand): 5'-CCATCTCCTGCCACACACGTGTATAGCTGAGGAGCTGAGGGTTTAGGGAGCAAAGAATAA[A>G]GGACTCACCAGAGGTGATGATGAATGCAGCAAGAAACAGCAGCACCTTGGGTCCCAAGAG-3'

ClinVar aggregate classification (germline): Likely benign (1 of 4 stars; one submission).

Submission:

GeneDx
Classification: Likely benign. Last evaluated: 2017-07-10. Review status: criteria provided, single submitter. Criteria: GeneDx Variant Classification (06012015). Collection method: clinical testing. Allele origin: germline. Affected: yes.
Comment: This variant is considered likely benign or benign based on one or more of the following criteria: it is a conservative change, it occurs at a poorly conserved position in the protein, it is predicted to be benign by multiple in silico algorithms, and/or has population frequency not consistent with disease.